The following is an entry in ClinVar:

ClinVar aggregate classification (germline): Likely benign (1 of 4 stars; one submission).

Allele frequency attached by ClinVar (database versions not stated): ExAC 0.00003; ESP Exome Variant Server 0.00008; gnomAD exomes 0.00011; TOPMed 0.00011; gnomAD 0.00013.
gnomAD v4.1: 187 of 1,613,978 alleles (0.012%); highest among the groups gnomAD compares: Non-Finnish European, 0.015%; no homozygotes.

Submission:

CeGaT Center for Human Genetics Tuebingen
Classification: Likely benign. Last evaluated: 2023-04-01. Review status: criteria provided, single submitter. Criteria: CeGaT Center For Human Genetics Tuebingen Variant Classification Criteria Version 2. Collection method: clinical testing. Allele origin: germline. Affected: yes. Observed: 1 variant allele.
Comment: SVIL: BP4, BP7

NM_021738.3(SVIL):c.3972G>T (p.Val1324=)

Gene: SVIL (supervillin; minus strand). Cytogenetic location: 10p11.23.
Variant type: single nucleotide variant.
Coding change: c.3972G>T on transcript NM_021738.3 (MANE Select); coding-DNA position 3972, G replaced by T.
Protein change: p.Val1324=; no amino-acid change (valine 1324 retained).
Molecular consequence: synonymous variant.
Genome position (GRCh38, 1-based): chr10:29,493,261, C>A on the plus strand (G>T on the coding strand, the complement: SVIL is on the minus strand). VCF-style: chr10-29493261-C-A. GRCh37 (hg19) VCF-style: chr10-29782190-C-A.
Other names: c.3042G>T, p.Val1014= (NM_001323599.2); c.2790G>T, p.Val930= (NM_001323600.1); c.2694G>T, p.Val898= (NM_003174.3).
Identifiers: ClinVar variation 2640389 (VCV002640389.23), dbSNP rs368928282, ClinGen allele CA5456677.